The following is an entry in ClinVar:

NM_001613.4(ACTA2):c.864T>C (p.Asp288=)

Genes: ACTA2 (actin alpha 2, smooth muscle; minus strand), ACTA2-AS1 (ACTA2 antisense RNA 1; plus strand). Cytogenetic location: 10q23.31.
Variant type: single nucleotide variant.
Coding change: c.864T>C on transcript NM_001613.4 (MANE Select); coding-DNA position 864, T replaced by C.
Protein change: p.Asp288=; no amino-acid change (aspartic acid 288 retained).
Molecular consequence: synonymous variant.
Genome position (GRCh38, 1-based): chr10:88,938,187, A>G on the plus strand (T>C on the coding strand, the complement: ACTA2 is on the minus strand). VCF-style: chr10-88938187-A-G. GRCh37 (hg19) VCF-style: chr10-90697944-A-G.
Other names: c.864T>C, p.Asp288= (NM_001141945.3, NM_001320855.2, NM_001406462.1 and 2 more transcripts); c.753T>C, p.Asp251= (NM_001406466.1); c.735T>C, p.Asp245= (NM_001406467.1, NM_001406468.1, NM_001406469.1); c.672T>C, p.Asp224= (NM_001406471.1).
Identifiers: ClinVar variation 1172437 (VCV001172437.9), dbSNP rs2133246505, ClinGen allele CA470729878.

ClinVar aggregate classification (germline): Likely benign. Review status: criteria provided, multiple submitters, no conflicts (2 of 4 stars). 4 submissions from 4 submitters: Likely benign (3). 1 of the submissions does not count toward it. Last evaluated 2025-09-02.

Conditions:
Familial thoracic aortic aneurysm and aortic dissection (TAAD). Also called: Thoracic aortic aneurysms and dissections. Identifiers: Orphanet 91387, MedGen C4707243, MONDO:0019625.
ACTA2-related disorder. Also called: ACTA2-related disorders; ACTA2-related condition.
Aortic aneurysm, familial thoracic 6 (AAT6). Also called: FAMILIAL THORACIC AORTIC ANEURYSM WITH LIVEDO RETICULARIS AND IRIS FLOCCULI. Identifiers: MedGen C2673186, MONDO:0012730, OMIM 611788.

Allele frequency attached by ClinVar (database versions not stated): gnomAD exomes below 0.00001.
gnomAD v4.1: 5 of 1,614,052 alleles (0.00031%); highest among the groups gnomAD compares: Non-Finnish European, 0.00042%; no homozygotes.

Submissions (4):

Labcorp Genetics (formerly Invitae), Labcorp
Classification: Likely benign for Aortic aneurysm, familial thoracic 6. Last evaluated: 2025-09-02. Review status: criteria provided, single submitter. Criteria: Invitae Variant Classification Sherloc (09022015). Collection method: clinical testing. Allele origin: germline.

All of Us Research Program, National Institutes of Health
Classification: Likely benign for Familial thoracic aortic aneurysm and aortic dissection. Last evaluated: 2023-08-15. Review status: criteria provided, single submitter. Criteria: ACMG Guidelines, 2015. Collection method: clinical testing. Allele origin: germline. Inheritance: Autosomal dominant inheritance. Observed: 1 variant allele, 1 heterozygote.
Comment: This study involves interpretation of variants in research participants for the purpose of population health screening. Participant phenotype was not available at the time of variant classification. Additional details can be found in publication PMID: 35346344, PMCID: PMC8962531

Color Diagnostics, LLC DBA Color Health
Classification: Likely benign for Familial thoracic aortic aneurysm and aortic dissection. Last evaluated: 2020-11-23. Review status: criteria provided, single submitter. Criteria: ACMG Guidelines, 2015. Collection method: clinical testing. Allele origin: germline.

PreventionGenetics, part of Exact Sciences
Classification: Likely benign for ACTA2-related condition. Last evaluated: 2024-03-12. Review status: no assertion criteria provided. Collection method: clinical testing. Allele origin: germline. Not counted in ClinVar's aggregate classification.
Comment: This variant is classified as likely benign based on ACMG/AMP sequence variant interpretation guidelines (Richards et al. 2015 PMID: 25741868, with internal and published modifications).